The following is an entry in ClinVar:

ClinVar aggregate classification (germline): Uncertain significance (1 of 4 stars; one submission).

Conditions:
Brown-Vialetto-van Laere syndrome 1. Also called: BROWN-VIALETTO-VAN LAERE SYNDROME 1, MILD; BULBAR PALSY, PROGRESSIVE, WITH SENSORINEURAL DEAFNESS; PONTOBULBAR PALSY WITH DEAFNESS. Identifiers: Orphanet 572550, Orphanet 97229, MedGen C0796274, MONDO:0024537, OMIM 211530.

Allele frequency attached by ClinVar (database versions not stated): ExAC 0.00001; gnomAD exomes below 0.00001.
gnomAD v4.1: 1 of 1,614,146 alleles (0.000062%); highest among the groups gnomAD compares: Non-Finnish European, 0.000085%; no homozygotes.

Submission:

Labcorp Genetics (formerly Invitae), Labcorp
Classification: Uncertain significance for Brown-Vialetto-van Laere syndrome 1. Last evaluated: 2023-05-15. Review status: criteria provided, single submitter. Criteria: Invitae Variant Classification Sherloc (09022015). Collection method: clinical testing. Allele origin: germline.
Comment: This sequence change replaces isoleucine, which is neutral and non-polar, with threonine, which is neutral and polar, at codon 172 of the SLC52A3 protein (p.Ile172Thr). This variant is present in population databases (rs774371416, gnomAD 0.0009%). This variant has not been reported in the literature in individuals affected with SLC52A3-related conditions. ClinVar contains an entry for this variant (Variation ID: 662152). In summary, the available evidence is currently insufficient to determine the role of this variant in disease. Therefore, it has been classified as a Variant of Uncertain Significance. Algorithms developed to predict the effect of missense changes on protein structure and function output the following: SIFT: "Not Available"; PolyPhen-2: "Benign"; Align-GVGD: "Not Available". The threonine amino acid residue is found in multiple mammalian species, which suggests that this missense change does not adversely affect protein function.

NM_033409.4(SLC52A3):c.515T>C (p.Ile172Thr)

Gene: SLC52A3 (solute carrier family 52 member 3; minus strand). Cytogenetic location: 20p13.
Variant type: single nucleotide variant.
Coding change: c.515T>C on transcript NM_033409.4 (MANE Select); coding-DNA position 515, T replaced by C.
Protein change: p.Ile172Thr; replaces isoleucine 172 with threonine.
Molecular consequence: missense variant.
Genome position (GRCh38, 1-based): chr20:765,260, A>G on the plus strand (T>C on the coding strand, the complement: SLC52A3 is on the minus strand). VCF-style: chr20-765260-A-G. GRCh37 (hg19) VCF-style: chr20-745904-A-G.
Other names: c.515T>C, p.Ile172Thr (NM_001370085.1, NM_001370086.1); short protein forms I172T.
Identifiers: ClinVar variation 662152 (VCV000662152.8), dbSNP rs774371416, ClinGen allele CA9724763.